The following is an entry in ClinVar:

ClinVar aggregate classification (germline): Uncertain significance (1 of 4 stars; one submission).

Conditions:
Arrhythmogenic right ventricular dysplasia 13. Also called: ARRHYTHMOGENIC RIGHT VENTRICULAR CARDIOMYOPATHY 13; Arrhythmogenic right ventricular dysplasia, familial, 13. Identifiers: MedGen C3810138, MONDO:0000908, OMIM 615616.

Allele frequency attached by ClinVar (database versions not stated): gnomAD 0.00001; gnomAD exomes 0.00001; TOPMed 0.00001.
gnomAD v4.1: 6 of 1,613,608 alleles (0.00037%); highest among the groups gnomAD compares: Middle Eastern, 0.017%; no homozygotes.

Submission:

Labcorp Genetics (formerly Invitae), Labcorp
Classification: Uncertain significance for Arrhythmogenic right ventricular dysplasia 13. Last evaluated: 2025-05-08. Review status: criteria provided, single submitter. Criteria: Invitae Variant Classification Sherloc (09022015). Collection method: clinical testing. Allele origin: germline.
Comment: This sequence change replaces alanine, which is neutral and non-polar, with threonine, which is neutral and polar, at codon 334 of the CTNNA3 protein (p.Ala334Thr). This variant is present in population databases (no rsID available, gnomAD 0.003%). This variant has not been reported in the literature in individuals affected with CTNNA3-related conditions. ClinVar contains an entry for this variant (Variation ID: 658695). Invitae Evidence Modeling of protein sequence and biophysical properties (such as structural, functional, and spatial information, amino acid conservation, physicochemical variation, residue mobility, and thermodynamic stability) indicates that this missense variant is not expected to disrupt CTNNA3 protein function with a negative predictive value of 80%. In summary, the available evidence is currently insufficient to determine the role of this variant in disease. Therefore, it has been classified as a Variant of Uncertain Significance.

NM_013266.4(CTNNA3):c.1000G>A (p.Ala334Thr)

Gene: CTNNA3 (catenin alpha 3; minus strand). Cytogenetic location: 10q21.3.
Variant type: single nucleotide variant.
Coding change: c.1000G>A on transcript NM_013266.4 (MANE Select); coding-DNA position 1000, G replaced by A.
Protein change: p.Ala334Thr; replaces alanine 334 with threonine.
Molecular consequence: missense variant.
Genome position (GRCh38, 1-based): chr10:67,180,364, C>T on the plus strand (G>A on the coding strand, the complement: CTNNA3 is on the minus strand). VCF-style: chr10-67180364-C-T. GRCh37 (hg19) VCF-style: chr10-68940122-C-T.
Other names: c.1000G>A, p.Ala334Thr (NM_001127384.3); c.1036G>A, p.Ala346Thr (NM_001291133.2); short protein forms A334T, A346T.
Identifiers: ClinVar variation 658695 (VCV000658695.8), dbSNP rs1195868563, ClinGen allele CA377096808.